The following is an entry in ClinVar:

NM_000038.6(APC):c.6053C>T (p.Pro2018Leu)

Gene: APC (APC regulator of Wnt signaling pathway; plus strand). Cytogenetic location: 5q22.2.
Variant type: single nucleotide variant.
Coding change: c.6053C>T on transcript NM_000038.6 (MANE Select); coding-DNA position 6053, C replaced by T.
Protein change: p.Pro2018Leu; replaces proline 2018 with leucine.
Molecular consequence: missense variant. On other transcripts: non-coding transcript variant (2).
Genome position (GRCh38, 1-based): chr5:112,841,647, C>T. VCF-style: chr5-112841647-C-T. GRCh37 (hg19) VCF-style: chr5-112177344-C-T.
Other names: c.5573C>T, p.Pro1858Leu (NM_001354905.2); c.5204C>T, p.Pro1735Leu (NM_001354906.2, NM_001407470.1); c.6137C>T, p.Pro2046Leu (NM_001407446.1); c.6107C>T, p.Pro2036Leu (NM_001407447.1, NM_001407448.1, NM_001407449.1 and 1 more transcripts); c.6053C>T, p.Pro2018Leu (NM_001407450.1, NM_001127510.3, NM_001354895.2); c.6032C>T, p.Pro2011Leu (NM_001407451.1); c.5804C>T, p.Pro1935Leu (NM_001407455.1, NM_001407454.1, NM_001407456.1 and 1 more transcripts); c.6023C>T, p.Pro2008Leu (NM_001407452.1); and 11 more; short protein forms P1889L, P1917L, P1977L, P1993L, P2036L, P2046L, P1892L, P1935L.
Identifiers: ClinVar variation 3408204 (VCV003408204.3).
Genomic context (GRCh38, chr5:112,841,647, plus strand): 5'-AACCAAGTAAACCTCAAGCATCAGGCTATGCTCCTAAATCATTTCATGTTGAAGATACCC[C>T]AGTTTGTTTCTCAAGAAACAGTTCTCTCAGTTCTCTTAGTATTGACTCTGAAGATGACCT-3'
Protein context (NP_000029.2, residues 2008-2028): APKSFHVEDT[Pro2018Leu]VCFSRNSSLS

ClinVar aggregate classification (germline): Uncertain significance. Review status: criteria provided, multiple submitters, no conflicts (2 of 4 stars). 3 submissions from 3 submitters: Uncertain significance (3). Last evaluated 2025-10-02.

Conditions:
Familial adenomatous polyposis 1 (FAP1). Also called: FAMILIAL ADENOMATOUS POLYPOSIS 1, ATTENUATED; POLYPOSIS, ADENOMATOUS INTESTINAL. Identifiers: MedGen C2713442, MONDO:0021056, OMIM 175100. Disease mechanism: loss of function.
Hereditary cancer-predisposing syndrome. Also called: Neoplastic Syndromes, Hereditary; Tumor predisposition; Hereditary Cancer Syndrome; Hereditary neoplastic syndrome. Identifiers: Orphanet 140162, MedGen C0027672, MeSH D009386, MONDO:0015356.

Submissions (3):

Labcorp Genetics (formerly Invitae), Labcorp
Classification: Uncertain significance for Familial adenomatous polyposis 1. Last evaluated: 2025-10-02. Review status: criteria provided, single submitter. Criteria: Invitae Variant Classification Sherloc (09022015). Collection method: clinical testing. Allele origin: germline.
Comment: This sequence change replaces proline, which is neutral and non-polar, with leucine, which is neutral and non-polar, at codon 2018 of the APC protein (p.Pro2018Leu). This variant is not present in population databases (gnomAD no frequency). This variant has not been reported in the literature in individuals affected with APC-related conditions. ClinVar contains an entry for this variant (Variation ID: 3408204). Invitae Evidence Modeling of protein sequence and biophysical properties (such as structural, functional, and spatial information, amino acid conservation, physicochemical variation, residue mobility, and thermodynamic stability) indicates that this missense variant is not expected to disrupt APC protein function with a negative predictive value of 95%. In summary, the available evidence is currently insufficient to determine the role of this variant in disease. Therefore, it has been classified as a Variant of Uncertain Significance.

GeneDx
Classification: Uncertain significance. Last evaluated: 2025-06-26. Review status: criteria provided, single submitter. Criteria: GeneDx Variant Classification Process June 2021. Collection method: clinical testing. Allele origin: germline. Affected: yes.
Comment: Not observed at significant frequency in large population cohorts (gnomAD); In silico analysis supports that this missense variant has a deleterious effect on protein structure/function; Has not been previously published as pathogenic or benign to our knowledge; This variant is associated with the following publications: (PMID: 18199528)

Ambry Genetics
Classification: Uncertain significance for Hereditary cancer-predisposing syndrome. Last evaluated: 2024-06-30. Review status: criteria provided, single submitter. Criteria: Ambry Variant Classification Scheme 2023. Collection method: clinical testing. Allele origin: germline.
Comment: The p.P2018L variant (also known as c.6053C>T), located in coding exon 15 of the APC gene, results from a C to T substitution at nucleotide position 6053. The proline at codon 2018 is replaced by leucine, an amino acid with similar properties. This amino acid position is conserved. In addition, in silico predictors for this gene do not accurately predict pathogenicity. Based on the available evidence, the clinical significance of this variant remains unclear.